The following is an entry in ClinVar:

NM_003072.5(SMARCA4):c.3015A>G (p.Arg1005=)

Gene: SMARCA4 (SWI/SNF related BAF chromatin remodeling complex subunit ATPase 4; plus strand). Cytogenetic location: 19p13.2.
Variant type: single nucleotide variant.
Coding change: c.3015A>G on transcript NM_003072.5 (MANE Select); coding-DNA position 3015, A replaced by G.
Protein change: p.Arg1005=; no amino-acid change (arginine 1005 retained).
Molecular consequence: synonymous variant. On other transcripts: non-coding transcript variant (1).
Genome position (GRCh38, 1-based): chr19:11,024,372, A>G. VCF-style: chr19-11024372-A-G. GRCh37 (hg19) VCF-style: chr19-11135048-A-G.
Other names: c.3015A>G, p.Arg1005= (NM_001128844.3, NM_001128845.2, NM_001128846.2 and 6 more transcripts).
Identifiers: ClinVar variation 5029901 (VCV005029901.2).
Genomic context (GRCh38, chr19:11,024,372, plus strand): 5'-CATTATGTGTCCCCTGCAGGTGGAGTACGTCATCAAGTGCGACATGTCTGCGCTGCAGCG[A>G]GTGCTCTACCGCCACATGCAGGCCAAGGGCGTGCTGCTGACTGATGGCTCCGAGAAGGAC-3'
Protein context (NP_003063.2, residues 995-1015): VIKCDMSALQ[Arg1005=]VLYRHMQAKG

ClinVar aggregate classification (germline): Benign/Likely benign. Review status: criteria provided, multiple submitters, no conflicts (2 of 4 stars). 2 submissions from 2 submitters: Benign (1); Likely benign (1). Last evaluated 2026-09-13.

Conditions:
Rhabdoid tumor predisposition syndrome 2 (RTPS2). Identifiers: Orphanet 231108, Orphanet 69077, MedGen C2750074, MONDO:0013224, OMIM 613325.
Hereditary cancer-predisposing syndrome. Also called: Neoplastic Syndromes, Hereditary; Tumor predisposition; Hereditary neoplastic syndrome; Hereditary Cancer Syndrome. Identifiers: Orphanet 140162, MedGen C0027672, MeSH D009386, MONDO:0015356.

Submissions (2):

Ambry Genetics
Classification: Likely benign for Hereditary cancer-predisposing syndrome. Last evaluated: 2026-09-13. Review status: criteria provided, single submitter. Criteria: Ambry Variant Classification Scheme 2023. Collection method: clinical testing. Allele origin: germline.

Myriad Genetics, Inc.
Classification: Benign for Rhabdoid tumor predisposition syndrome 2. Last evaluated: 2026-07-14. Review status: criteria provided, single submitter. Criteria: Myriad Autosomal Dominant, Autosomal Recessive and X-Linked Classification Criteria (2023). Collection method: clinical testing. Allele origin: unknown.
Comment: This variant is considered benign. This variant is a silent/synonymous amino acid change and it is not expected to impact splicing.